The following is an entry in ClinVar:

NM_182977.3(NNT):c.2635-1G>A

Gene: NNT (nicotinamide nucleotide transhydrogenase; plus strand). Cytogenetic location: 5p12.
Variant type: single nucleotide variant.
Coding change: c.2635-1G>A on transcript NM_182977.3 (MANE Select); the canonical splice acceptor site of the intron before coding-DNA position 2635, G replaced by A.
Molecular consequence: splice acceptor variant.
Genome position (GRCh38, 1-based): chr5:43,675,510, G>A. VCF-style: chr5-43675510-G-A. GRCh37 (hg19) VCF-style: chr5-43675612-G-A.
Other names: c.2635-1G>A (NM_012343.4); c.2242-1G>A (NM_001331026.2).
Identifiers: ClinVar variation 4082571 (VCV004082571.1).
Genomic context (GRCh38, chr5:43,675,510, plus strand): 5'-TGTACTATTCTCACAAAGTTATGTGTGTTAAACTCTCACAGCTGATAATTTGGCTTTCTA[G>A]GCAATGAATCGCTCCCTGGCTAATGTGATTCTTGGAGGCTATGGCACCACTTCAACAGCT-3'

ClinVar aggregate classification (germline): Pathogenic (1 of 4 stars; one submission).

Submission:

GeneDx
Classification: Pathogenic. Last evaluated: 2025-03-10. Review status: criteria provided, single submitter. Criteria: GeneDx Variant Classification Process June 2021. Collection method: clinical testing. Allele origin: germline. Affected: yes.
Comment: Not observed at significant frequency in large population cohorts (gnomAD); Canonical splice site variant predicted to result in a null allele in a gene for which loss of function is a known mechanism of disease; This variant is associated with the following publications: (PMID: Oliva2017[article])